The following is an entry in ClinVar:

ClinVar aggregate classification (germline): Uncertain significance (1 of 4 stars; one submission).

gnomAD v4.1: 2 of 1,613,278 alleles (0.00012%); highest among the groups gnomAD compares: Non-Finnish European, 0.00017%; no homozygotes.

Submission:

Labcorp Genetics (formerly Invitae), Labcorp
Classification: Uncertain significance. Last evaluated: 2024-07-16. Review status: criteria provided, single submitter. Criteria: Invitae Variant Classification Sherloc (09022015). Collection method: clinical testing. Allele origin: germline.
Comment: This sequence change replaces alanine, which is neutral and non-polar, with threonine, which is neutral and polar, at codon 1589 of the CACNA1D protein (p.Ala1589Thr). This variant is not present in population databases (gnomAD no frequency). This variant has not been reported in the literature in individuals affected with CACNA1D-related conditions. Advanced modeling of protein sequence and biophysical properties (such as structural, functional, and spatial information, amino acid conservation, physicochemical variation, residue mobility, and thermodynamic stability) performed at Invitae indicates that this missense variant is not expected to disrupt CACNA1D protein function with a negative predictive value of 80%. In summary, the available evidence is currently insufficient to determine the role of this variant in disease. Therefore, it has been classified as a Variant of Uncertain Significance.

NM_001128840.3(CACNA1D):c.4705G>A (p.Ala1569Thr)

Gene: CACNA1D (calcium voltage-gated channel subunit alpha1 D; plus strand). Cytogenetic location: 3p21.1.
Variant type: single nucleotide variant.
Coding change: c.4705G>A on transcript NM_001128840.3 (MANE Select); coding-DNA position 4705, G replaced by A.
Protein change: p.Ala1569Thr; replaces alanine 1569 with threonine.
Molecular consequence: missense variant.
Genome position (GRCh38, 1-based): chr3:53,781,580, G>A. VCF-style: chr3-53781580-G-A. GRCh37 (hg19) VCF-style: chr3-53815607-G-A.
Other names: c.4765G>A, p.Ala1589Thr (NM_000720.4); c.4660G>A, p.Ala1554Thr (NM_001128839.3); short protein forms A1554T, A1589T, A1569T.
Identifiers: ClinVar variation 3675093 (VCV003675093.2).